The following is an entry in ClinVar:

ClinVar aggregate classification (germline): Uncertain significance (1 of 4 stars; one submission).

Conditions:
Cystic fibrosis (CF). Also called: MUCOVISCIDOSIS. Identifiers: Orphanet 586, MedGen C0010674, MONDO:0009061, OMIM 219700. Disease mechanism: loss of function.

Allele frequency attached by ClinVar (database versions not stated): gnomAD exomes below 0.00001.
gnomAD v4.1: 1 of 1,613,596 alleles (0.000062%); highest among the groups gnomAD compares: South Asian, 0.0011%; no homozygotes.

Submission:

Labcorp Genetics (formerly Invitae), Labcorp
Classification: Uncertain significance for Cystic fibrosis. Last evaluated: 2024-02-16. Review status: criteria provided, single submitter. Criteria: Invitae Variant Classification Sherloc (09022015). Collection method: clinical testing. Allele origin: germline.
Comment: This sequence change replaces phenylalanine, which is neutral and non-polar, with valine, which is neutral and non-polar, at codon 1068 of the CFTR protein (p.Phe1068Val). This variant is not present in population databases (gnomAD no frequency). This variant has not been reported in the literature in individuals affected with CFTR-related conditions. Advanced modeling of protein sequence and biophysical properties (such as structural, functional, and spatial information, amino acid conservation, physicochemical variation, residue mobility, and thermodynamic stability) performed at Invitae indicates that this missense variant is expected to disrupt CFTR protein function with a positive predictive value of 80%. In summary, the available evidence is currently insufficient to determine the role of this variant in disease. Therefore, it has been classified as a Variant of Uncertain Significance.

NM_000492.4(CFTR):c.3202T>G (p.Phe1068Val)

Genes: CFTR (CF transmembrane conductance regulator; plus strand), CFTR-AS2 (CFTR antisense RNA 2; minus strand), LOC111674472 (DNase I hypersensitive sites in introns 16 and 17a of CFTR; plus strand). Cytogenetic location: 7q31.2.
Variant type: single nucleotide variant.
Coding change: c.3202T>G on transcript NM_000492.4 (MANE Select); coding-DNA position 3202, T replaced by G.
Protein change: p.Phe1068Val; replaces phenylalanine 1068 with valine.
Molecular consequence: missense variant.
Genome position (GRCh38, 1-based): chr7:117,611,643, T>G. VCF-style: chr7-117611643-T-G. GRCh37 (hg19) VCF-style: chr7-117251697-T-G.
Other names: short protein forms F1068V.
Identifiers: ClinVar variation 2808233 (VCV002808233.3), dbSNP rs2485130319, ClinGen allele CA368992066.